The following is an entry in ClinVar:

ClinVar aggregate classification (germline): Uncertain significance (1 of 4 stars; one submission).

Conditions:
Long QT syndrome (LQTS). Identifiers: MedGen C0023976, MeSH D008133, MONDO:0002442. Disease mechanism: loss of function. Inheritance: Various modes of inheritance.

gnomAD v4.1: 4 of 1,612,306 alleles (0.00025%); highest among the groups gnomAD compares: Middle Eastern, 0.018%; no homozygotes.

Submission:

Labcorp Genetics (formerly Invitae), Labcorp
Classification: Uncertain significance for Long QT syndrome. Last evaluated: 2024-11-12. Review status: criteria provided, single submitter. Criteria: Invitae Variant Classification Sherloc (09022015). Collection method: clinical testing. Allele origin: germline.
Comment: This sequence change falls in intron 45 of the AKAP9 gene. It does not directly change the encoded amino acid sequence of the AKAP9 protein. It affects a nucleotide within the consensus splice site. This variant is not present in population databases (gnomAD no frequency). This variant has not been reported in the literature in individuals affected with AKAP9-related conditions. Variants that disrupt the consensus splice site are a relatively common cause of aberrant splicing (PMID: 17576681, 9536098). Algorithms developed to predict the effect of sequence changes on RNA splicing suggest that this variant may disrupt the consensus splice site. In summary, the available evidence is currently insufficient to determine the role of this variant in disease. Therefore, it has been classified as a Variant of Uncertain Significance.

Literature cited by the submitters: PubMed 17576681; PubMed 9536098.

NM_005751.5(AKAP9):c.11097+3A>G

Gene: AKAP9 (A-kinase anchoring protein 9; plus strand). Cytogenetic location: 7q21.2.
Variant type: single nucleotide variant.
Coding change: c.11097+3A>G on transcript NM_005751.5 (MANE Select); 3 bases into the intron after coding-DNA position 11097, A replaced by G.
Molecular consequence: intron variant.
Genome position (GRCh38, 1-based): chr7:92,101,059, A>G. VCF-style: chr7-92101059-A-G. GRCh37 (hg19) VCF-style: chr7-91730373-A-G.
Other names: c.11073+3A>G (NM_147185.3); c.5742+3A>G (NM_001379277.1).
Identifiers: ClinVar variation 3723114 (VCV003723114.2).